The following is an entry in ClinVar:

ClinVar aggregate classification (germline): Uncertain significance (1 of 4 stars; one submission).

Conditions:
Charcot-Marie-Tooth disease dominant intermediate B (CMTDIB). Also called: CHARCOT-MARIE-TOOTH NEUROPATHY, DOMINANT INTERMEDIATE B; Charcot-Marie-Tooth disease dominant intermediate 1; CMT DI1; Charcot-Marie-Tooth disease dominant intermediate I. Identifiers: Orphanet 100044, Orphanet 228179, MedGen C1847902, MONDO:0011674, OMIM 606482.

Submission:

Labcorp Genetics (formerly Invitae), Labcorp
Classification: Uncertain significance for Charcot-Marie-Tooth disease dominant intermediate B. Last evaluated: 2022-09-22. Review status: criteria provided, single submitter. Criteria: Invitae Variant Classification Sherloc (09022015). Collection method: clinical testing. Allele origin: germline.
Comment: In summary, the available evidence is currently insufficient to determine the role of this variant in disease. Therefore, it has been classified as a Variant of Uncertain Significance. Advanced modeling of protein sequence and biophysical properties (such as structural, functional, and spatial information, amino acid conservation, physicochemical variation, residue mobility, and thermodynamic stability) has been performed at Invitae for this missense variant, however the output from this modeling did not meet the statistical confidence thresholds required to predict the impact of this variant on DNM2 protein function. This variant has not been reported in the literature in individuals affected with DNM2-related conditions. This variant is not present in population databases (gnomAD no frequency). This sequence change replaces proline, which is neutral and non-polar, with threonine, which is neutral and polar, at codon 797 of the DNM2 protein (p.Pro797Thr).

NM_001005361.3(DNM2):c.2389C>A (p.Pro797Thr)

Gene: DNM2 (dynamin 2; plus strand). Cytogenetic location: 19p13.2.
Variant type: single nucleotide variant.
Coding change: c.2389C>A on transcript NM_001005361.3 (MANE Select); coding-DNA position 2389, C replaced by A.
Protein change: p.Pro797Thr; replaces proline 797 with threonine.
Molecular consequence: missense variant.
Genome position (GRCh38, 1-based): chr19:10,830,224, C>A. VCF-style: chr19-10830224-C-A. GRCh37 (hg19) VCF-style: chr19-10940900-C-A.
Other names: c.2377C>A, p.Pro793Thr (NM_001005362.3, NM_004945.4); c.2389C>A, p.Pro797Thr (NM_001190716.2, NM_001005360.3); short protein forms P793T, P797T.
Identifiers: ClinVar variation 1717483 (VCV001717483.5), dbSNP rs2513377148, ClinGen allele CA404043857.
Genomic context (GRCh38, chr19:10,830,224, plus strand): 5'-CCCCCTGGCCGGCCCCCAGCAGTGAGGGGCCCCACTCCAGGGCCCCCCCTGATTCCTGTT[C>A]CCGTGGGGGCAGCAGCCTCCTTCTCGGCGCCCCCAATCCCATCCCGGCCTGGACCCCAGA-3'
Protein context (NP_001005361.1, residues 787-807): PTPGPPLIPV[Pro797Thr]VGAAASFSAP